The following is an entry in ClinVar:

ClinVar aggregate classification (germline): Uncertain significance (1 of 4 stars; one submission).

Conditions:
Chédiak-Higashi syndrome (CHS). Also called: Chediak-Higashi Syndrome. Identifiers: Orphanet 167, MedGen C0007965, MONDO:0008963, OMIM 214500.

Submission:

Labcorp Genetics (formerly Invitae), Labcorp
Classification: Uncertain significance for Chédiak-Higashi syndrome. Last evaluated: 2025-08-20. Review status: criteria provided, single submitter. Criteria: Invitae Variant Classification Sherloc (09022015). Collection method: clinical testing. Allele origin: germline.
Comment: This sequence change replaces histidine, which is basic and polar, with tyrosine, which is neutral and polar, at codon 1850 of the LYST protein (p.His1850Tyr). This variant is not present in population databases (gnomAD no frequency). This variant has not been reported in the literature in individuals affected with LYST-related conditions. Invitae Evidence Modeling of protein sequence and biophysical properties (such as structural, functional, and spatial information, amino acid conservation, physicochemical variation, residue mobility, and thermodynamic stability) indicates that this missense variant is not expected to disrupt LYST protein function with a negative predictive value of 80%. In summary, the available evidence is currently insufficient to determine the role of this variant in disease. Therefore, it has been classified as a Variant of Uncertain Significance.

NM_000081.4(LYST):c.5548C>T (p.His1850Tyr)

Gene: LYST (lysosomal trafficking regulator; minus strand). Cytogenetic location: 1q42.3.
Variant type: single nucleotide variant.
Coding change: c.5548C>T on transcript NM_000081.4 (MANE Select); coding-DNA position 5548, C replaced by T.
Protein change: p.His1850Tyr; replaces histidine 1850 with tyrosine.
Molecular consequence: missense variant.
Genome position (GRCh38, 1-based): chr1:235,774,999, G>A on the plus strand (C>T on the coding strand, the complement: LYST is on the minus strand). VCF-style: chr1-235774999-G-A. GRCh37 (hg19) VCF-style: chr1-235938299-G-A.
Other names: c.5548C>T, p.His1850Tyr (NM_001301365.1); short protein forms H1850Y.
Identifiers: ClinVar variation 4803910 (VCV004803910.1).